The following is an entry in ClinVar:

ClinVar aggregate classification (germline): Conflicting classifications of pathogenicity. Review status: criteria provided, conflicting classifications (1 of 4 stars). 2 submissions from 2 submitters: Likely pathogenic (1); Uncertain significance (1). Last evaluated 2025-09-26.

Conditions:
Multiple acyl-CoA dehydrogenase deficiency (MADD). Also called: Glutaric Acidemia type 2; Glutaric acidemia type II; GA 2; ETHYLMALONIC-ADIPICACIDURIA; GA II; Glutaric aciduria, type 2. Identifiers: Orphanet 26791, MedGen C0268596, MONDO:0009282, OMIM 231680.
Glutaric acidemia type 2A.

Submissions (2):

Natera, Inc.
Classification: Likely pathogenic for Glutaric acidemia type 2A. Last evaluated: 2025-09-26. Review status: criteria provided, single submitter. Criteria: Natera Variant Classification Schema (03/2026). Collection method: clinical testing. Allele origin: germline.
Comment: The c.-11_16del variant in ETFA is predicted to result in start loss due to disruption of the initiator methionine. This variant is expected to result in nonsense mediated decay, truncation, or a dysfunctional protein product. This variant is rare in the general population with a frequency below the threshold expected for the associated phenotype(s). Given the available evidence, this variant is classified as Likely Pathogenic.

Labcorp Genetics (formerly Invitae), Labcorp
Classification: Uncertain significance for Multiple acyl-CoA dehydrogenase deficiency. Last evaluated: 2022-06-01. Review status: criteria provided, single submitter. Criteria: Invitae Variant Classification Sherloc (09022015). Collection method: clinical testing. Allele origin: germline.
Comment: This variant is not present in population databases (gnomAD no frequency). Disruption of the initiator codon has been observed in individual(s) with glutaric acidemia type II (PMID: 33768790). Experimental studies and prediction algorithms are not available or were not evaluated, and the functional significance of this variant is currently unknown. This variant disrupts a region of the ETFA protein in which other variant(s) (p.Val168Phe) have been observed in individuals with ETFA-related conditions (PMID: 20736750). This suggests that this is a clinically significant region of the protein, and that variants that disrupt it are likely to be disease-causing. In summary, the available evidence is currently insufficient to determine the role of this variant in disease. Therefore, it has been classified as a Variant of Uncertain Significance. This sequence change affects the initiator methionine of the ETFA mRNA. The next in-frame methionine is located at codon 261.

Literature cited by the submitters: PubMed 33768790 (cited by Labcorp Genetics (formerly Invitae), Labcorp); PubMed 20736750 (cited by Labcorp Genetics (formerly Invitae), Labcorp).

NM_000126.4(ETFA):c.-11_16del (p.Met1_Ala6del)

Gene: ETFA (electron transfer flavoprotein subunit alpha; minus strand). Cytogenetic location: 15q24.3.
Variant type: Deletion.
Coding change: c.-11_16del on transcript NM_000126.4 (MANE Select); 11 bases upstream of the start codon through coding-DNA position 16, 27 bases deleted (AAGCGGAGACCATGTTCCGAGCGGCGG).
Protein change: p.Met1_Ala6del.
Molecular consequence: inframe deletion, initiator codon variant.
Genome position (GRCh38, 1-based): chr15:76,311,373-76,311,399, CCGCCGCTCGGAACATGGTCTCCGCTT deleted on the plus strand (AAGCGGAGACCATGTTCCGAGCGGCGG on the coding strand, the reverse complement: ETFA is on the minus strand); deleting any 27 consecutive bases within chr15:76,311,373-76,311,406 gives the same sequence; the c. name uses the placement nearest the transcript's 3' end. VCF-style (leftmost placement, unchanged base first): chr15-76311372-GCCGCCGCTCGGAACATGGTCTCCGCTT-G. GRCh37 (hg19) VCF-style: chr15-76603713-GCCGCCGCTCGGAACATGGTCTCCGCTT-G.
Other names: c.-11_16del, p.Met1_Ala6del (NM_001127716.2); c.-11_16del (NM_000126.3).
Identifiers: ClinVar variation 2135812 (VCV002135812.6), dbSNP rs2543051857, ClinGen allele CA2575797129.